The following is an entry in ClinVar:

NM_000311.5(PRNP):c.535T>G (p.Cys179Gly)

Gene: PRNP (prion protein (Kanno blood group); plus strand). Cytogenetic location: 20p13.
Variant type: single nucleotide variant.
Coding change: c.535T>G on transcript NM_000311.5 (MANE Select); coding-DNA position 535, T replaced by G.
Protein change: p.Cys179Gly; replaces cysteine 179 with glycine.
Molecular consequence: missense variant. On other transcripts: 3 prime UTR variant (1).
Genome position (GRCh38, 1-based): chr20:4,699,755, T>G. VCF-style: chr20-4699755-T-G. GRCh37 (hg19) VCF-style: chr20-4680401-T-G.
Other names: c.535T>G, p.Cys179Gly (NM_001080121.3, NM_001080122.3, NM_001080123.3 and 1 more transcripts); c.*224T>G (NM_001271561.3); short protein forms C179G.
Identifiers: ClinVar variation 4855592 (VCV004855592.1).
Genomic context (GRCh38, chr20:4,699,755, plus strand): 5'-AACCAAGTGTACTACAGGCCCATGGATGAGTACAGCAACCAGAACAACTTTGTGCACGAC[T>G]GCGTCAATATCACAATCAAGCAGCACACGGTCACCACAACCACCAAGGGGGAGAACTTCA-3'
Protein context (NP_000302.1, residues 169-189): YSNQNNFVHD[Cys179Gly]VNITIKQHTV

ClinVar aggregate classification (germline): Uncertain significance (1 of 4 stars; one submission).

Conditions:
PRNP-related disorder. Also called: PRNP-related condition; PRNP-related disorders.

Submission:

3billion
Classification: Uncertain significance for PRNP-related disorder. Last evaluated: 2025-08-06. Review status: criteria provided, single submitter. Criteria: ACMG Guidelines, 2015. Collection method: clinical testing. Allele origin: germline. Affected: yes.
Comment: The variant is not observed in the gnomAD v4.1.0 dataset. Predicted Consequence/Location: Missense variant. Missense changes are a common disease-causing mechanism. In silico tool predictions suggest damaging effect of the variant on gene or gene product [REVEL: 0.93 (>=0.6, sensitivity 0.68 and specificity 0.92); 3Cnet: 0.99 (> 0.75, sensitivity 0.96 and precision 0.92)]. Therefore, this variant is classified as VUS according to the recommendation of ACMG/AMP guideline.